The following is an entry in ClinVar:

ClinVar aggregate classification (germline): Pathogenic/Likely pathogenic. Review status: criteria provided, multiple submitters, no conflicts (2 of 4 stars). 4 submissions from 4 submitters: Pathogenic (1); Likely pathogenic (3). Last evaluated 2025-06-16.

Conditions:
Breast-ovarian cancer, familial, susceptibility to, 4. Identifiers: Orphanet 145, MedGen C3280345, MONDO:0013669, OMIM 614291.
Hereditary cancer-predisposing syndrome. Also called: Neoplastic Syndromes, Hereditary; Tumor predisposition; Hereditary neoplastic syndrome; Hereditary Cancer Syndrome. Identifiers: Orphanet 140162, MedGen C0027672, MeSH D009386, MONDO:0015356.

Submissions (4):

Labcorp Genetics (formerly Invitae), Labcorp
Classification: Likely pathogenic for Breast-ovarian cancer, familial, susceptibility to, 4. Last evaluated: 2025-06-16. Review status: criteria provided, single submitter. Criteria: Invitae Variant Classification Sherloc (09022015). Collection method: clinical testing. Allele origin: germline.
Comment: This sequence change affects a donor splice site in intron 8 of the RAD51D gene. RNA analysis indicates that disruption of this splice site induces altered splicing and may result in an absent or altered protein product. This variant is not present in population databases (gnomAD no frequency). Disruption of this splice site has been observed in individual(s) with ovarian cancer (PMID: 30111881). ClinVar contains an entry for this variant (Variation ID: 580022). Studies have shown that disruption of this splice site results in partial retention of 37 nucleotides from intron 8, and produces a non-functional protein and/or introduces a premature termination codon (PMID: 30111881). In summary, the currently available evidence indicates that the variant is pathogenic, but additional data are needed to prove that conclusively. Therefore, this variant has been classified as Likely Pathogenic.

Center for Genomic Medicine, Rigshospitalet, Copenhagen University Hospital
Classification: Pathogenic. Last evaluated: 2025-03-04. Review status: criteria provided, single submitter. Criteria: ACMG Guidelines, 2015. Collection method: clinical testing. Allele origin: germline.
Comment: Classification criteria: PVS1, PM2_sup, PS3_sup

Myriad Genetics, Inc.
Classification: Likely pathogenic for Breast-ovarian cancer, familial, susceptibility to, 4. Last evaluated: 2024-01-05. Review status: criteria provided, single submitter. Criteria: Myriad Autosomal Dominant, Autosomal Recessive and X-Linked Classification Criteria (2023). Collection method: clinical testing. Allele origin: unknown.
Comment: This variant is considered likely pathogenic. This variant occurs within a consensus splice junction and is predicted to result in abnormal mRNA splicing of either an out-of-frame exon or an in-frame exon necessary for protein stability and/or normal function.

Ambry Genetics
Classification: Likely pathogenic for Hereditary cancer-predisposing syndrome. Last evaluated: 2020-01-02. Review status: criteria provided, single submitter. Criteria: Ambry Variant Classification Scheme 2023. Collection method: clinical testing. Allele origin: germline.
Comment: The c.738+1G>A intronic variant results from a G to A substitution one nucleotide after coding exon 8 of the RAD51D gene. This alteration was identified in a patient diagnosed with high-grade serous ovarian cancer (Konstanta I et al. J. Hum. Genet., 2018 Nov;63:1149-1158). RNA analyses have shown that this alteration produces an abnormal transcript with partial retention of 37 intronic bases, resulting in a predicted frameshift and premature termination codon (Konstanta I et al. J. Hum. Genet., 2018 Nov;63:1149-1158, Ambry internal data). This nucleotide position is highly conserved in available vertebrate species. Using the BDGP and ESEfinder splice site prediction tools, this alteration is predicted to abolish the native splice donor site. Alterations that disrupt the canonical splice site are expected to cause aberrant splicing, resulting in an abnormal protein or a transcript that is subject to nonsense-mediated mRNA decay. As such, this alteration is classified as likely pathogenic.

Literature cited by the submitters: PubMed 30111881 (cited by 3 submitters).

NM_002878.4(RAD51D):c.738+1G>A

Genes: RAD51D (RAD51 paralog D; minus strand), RAD51L3-RFFL (RAD51L3-RFFL readthrough; minus strand). Cytogenetic location: 17q12.
Variant type: single nucleotide variant.
Coding change: c.738+1G>A on transcript NM_002878.4 (MANE Select); the canonical splice donor site of the intron after coding-DNA position 738, G replaced by A.
Molecular consequence: splice donor variant.
Genome position (GRCh38, 1-based): chr17:35,103,253, C>T on the plus strand (G>A on the coding strand, the complement: RAD51D is on the minus strand). VCF-style: chr17-35103253-C-T. GRCh37 (hg19) VCF-style: chr17-33430272-C-T.
Other names: c.402+1G>A (NM_133629.3); c.798+1G>A (NM_001142571.2).
Identifiers: ClinVar variation 580022 (VCV000580022.11), dbSNP rs1567726124, ClinGen allele CA399087466.